The following is an entry in ClinVar:

NM_020719.3(PRR12):c.2025G>T (p.Gly675=)

Gene: PRR12 (proline rich 12; plus strand). Cytogenetic location: 19q13.33.
Variant type: single nucleotide variant.
Coding change: c.2025G>T on transcript NM_020719.3 (MANE Select); coding-DNA position 2025, G replaced by T.
Protein change: p.Gly675=; no amino-acid change (glycine 675 retained).
Molecular consequence: synonymous variant.
Genome position (GRCh38, 1-based): chr19:49,596,360, G>T. VCF-style: chr19-49596360-G-T. GRCh37 (hg19) VCF-style: chr19-50099617-G-T.
Identifiers: ClinVar variation 2650259 (VCV002650259.24), dbSNP rs1267357182, ClinGen allele CA508288773.

ClinVar aggregate classification (germline): Likely benign (1 of 4 stars; one submission).

Allele frequency attached by ClinVar (database versions not stated): gnomAD exomes 0.00001.
gnomAD v4.1: 3 of 1,598,334 alleles (0.00019%); highest among the groups gnomAD compares: Non-Finnish European, 0.00026%; no homozygotes.

Submission:

CeGaT Center for Human Genetics Tuebingen
Classification: Likely benign. Last evaluated: 2022-03-01. Review status: criteria provided, single submitter. Criteria: CeGaT Center For Human Genetics Tuebingen Variant Classification Criteria Version 2. Collection method: clinical testing. Allele origin: germline. Affected: yes. Observed: 1 variant allele.
Comment: PRR12: BP4, BP7